The following is an entry in ClinVar:

ClinVar aggregate classification (germline): Benign (1 of 4 stars; one submission).

Allele frequency attached by ClinVar (database versions not stated): gnomAD exomes 0.47234; 1000 Genomes Project 0.47344; TOPMed 0.49611; gnomAD 0.49698.

Submission:

Unidad de Genómica Garrahan, Hospital de Pediatría Garrahan
Classification: Benign. Last evaluated: 2024-01-24. Review status: criteria provided, single submitter. Criteria: ACMG Guidelines, 2015. Collection method: clinical testing. Allele origin: germline. Affected: no. Observed: 33 variant alleles.
Comment: This variant is classified as Benign based on local population frequency. This variant was detected in 35% of patients studied by a panel of primary immunodeficiencies. Number of patients: 33. Only high quality variants are reported.

NM_001330588.2(TPP2):c.2873+119dup

Gene: TPP2 (tripeptidyl peptidase 2; plus strand). Cytogenetic location: 13q33.1.
Variant type: Duplication.
Coding change: c.2873+119dup on transcript NM_001330588.2 (MANE Select); 119 bases into the intron after coding-DNA position 2873, one base duplicated (T; older notation c.2873+119dupT).
Molecular consequence: intron variant.
Genome position (GRCh38, 1-based): chr13:102,649,270, T duplicated. VCF-style (leftmost placement, unchanged base first): chr13-102649269-G-GT. GRCh37 (hg19) VCF-style: chr13-103301619-G-GT.
Other names: c.2873+119dup (NM_001367947.1, NM_003291.4).
Identifiers: ClinVar variation 2688207 (VCV002688207.2), dbSNP rs3215841, ClinGen allele CA255166223.